The following is an entry in ClinVar:

NM_004281.4(BAG3):c.1323C>A (p.Asn441Lys)

Gene: BAG3 (BAG cochaperone 3; plus strand). Cytogenetic location: 10q26.11.
Variant type: single nucleotide variant.
Coding change: c.1323C>A on transcript NM_004281.4 (MANE Select); coding-DNA position 1323, C replaced by A.
Protein change: p.Asn441Lys; replaces asparagine 441 with lysine.
Molecular consequence: missense variant.
Genome position (GRCh38, 1-based): chr10:119,676,877, C>A. VCF-style: chr10-119676877-C-A. GRCh37 (hg19) VCF-style: chr10-121436389-C-A.
Other names: c.1323C>A (NM_004281.3); short protein forms N441K.
Identifiers: ClinVar variation 1349584 (VCV001349584.9), dbSNP rs1325704409, ClinGen allele CA378297068.

ClinVar aggregate classification (germline): Conflicting classifications of pathogenicity. Review status: criteria provided, conflicting classifications (1 of 4 stars). 2 submissions from 2 submitters: Uncertain significance (1); Likely benign (1). Last evaluated 2025-08-12.

Conditions:
Cardiovascular phenotype. Identifiers: MedGen CN230736.
Dilated cardiomyopathy 1HH (CMD1HH). Identifiers: Orphanet 154, MedGen C3151293, MONDO:0013479, OMIM 613881.
Myofibrillar myopathy 6. Identifiers: Orphanet 199340, MedGen C2751831, MONDO:0013061, OMIM 612954.

Allele frequency attached by ClinVar (database versions not stated): gnomAD exomes below 0.00001; gnomAD 0.00001; TOPMed 0.00001.

Submissions (2):

Labcorp Genetics (formerly Invitae), Labcorp
Classification: Uncertain significance for Dilated cardiomyopathy 1HH; Myofibrillar myopathy 6. Last evaluated: 2025-08-12. Review status: criteria provided, single submitter. Criteria: Invitae Variant Classification Sherloc (09022015). Collection method: clinical testing. Allele origin: germline.
Comment: This sequence change replaces asparagine, which is neutral and polar, with lysine, which is basic and polar, at codon 441 of the BAG3 protein (p.Asn441Lys). This variant is present in population databases (no rsID available, gnomAD 0.003%). This variant has not been reported in the literature in individuals affected with BAG3-related conditions. ClinVar contains an entry for this variant (Variation ID: 1349584). Invitae Evidence Modeling of protein sequence and biophysical properties (such as structural, functional, and spatial information, amino acid conservation, physicochemical variation, residue mobility, and thermodynamic stability) indicates that this missense variant is not expected to disrupt BAG3 protein function with a negative predictive value of 80%. In summary, the available evidence is currently insufficient to determine the role of this variant in disease. Therefore, it has been classified as a Variant of Uncertain Significance.

Ambry Genetics
Classification: Likely benign for Cardiovascular phenotype. Last evaluated: 2023-11-17. Review status: criteria provided, single submitter. Criteria: Ambry Variant Classification Scheme 2023. Collection method: clinical testing. Allele origin: germline.